The following is an entry in ClinVar:

NM_001252024.2(TRPM1):c.279+75G>A

Gene: TRPM1 (transient receptor potential cation channel subfamily M member 1; minus strand). Cytogenetic location: 15q13.3.
Variant type: single nucleotide variant.
Coding change: c.279+75G>A on transcript NM_001252024.2 (MANE Select); 75 bases into the intron after coding-DNA position 279, G replaced by A.
Molecular consequence: intron variant. On other transcripts: synonymous variant (1).
Genome position (GRCh38, 1-based): chr15:31,069,956, C>T on the plus strand (G>A on the coding strand, the complement: TRPM1 is on the minus strand). VCF-style: chr15-31069956-C-T. GRCh37 (hg19) VCF-style: chr15-31362159-C-T.
Other names: c.288G>A, p.Leu96= (NM_001252030.2); c.330+75G>A (NM_001252020.2); c.213+75G>A (NM_002420.6).
Identifiers: ClinVar variation 4979765 (VCV004979765.1).

ClinVar aggregate classification (germline): Likely benign (1 of 4 stars; one submission).

Conditions:
TRPM1-related disorder. Also called: TRPM1-related condition.

gnomAD v4.1: 19 of 1,613,390 alleles (0.0012%); highest among the groups gnomAD compares: East Asian, 0.042%; no homozygotes.

Submission:

PreventionGenetics, part of Exact Sciences
Classification: Likely benign for TRPM1-related condition. Last evaluated: 2025-12-31. Review status: criteria provided, single submitter. Criteria: ACMG Guidelines, 2015. Collection method: clinical testing. Allele origin: germline.
Comment: This variant is classified as likely benign based on ACMG/AMP sequence variant interpretation guidelines (Richards et al. 2015 PMID: 25741868, with internal and published modifications).